The following is an entry in ClinVar:

NM_004329.3(BMPR1A):c.230+5G>A

Gene: BMPR1A (bone morphogenetic protein receptor type 1A; plus strand). Cytogenetic location: 10q23.2.
Variant type: single nucleotide variant.
Coding change: c.230+5G>A on transcript NM_004329.3 (MANE Select); 5 bases into the intron after coding-DNA position 230, G replaced by A.
Molecular consequence: intron variant.
Genome position (GRCh38, 1-based): chr10:86,890,229, G>A. VCF-style: chr10-86890229-G-A. GRCh37 (hg19) VCF-style: chr10-88649986-G-A.
Identifiers: ClinVar variation 2095340 (VCV002095340.4), dbSNP rs2539433575, ClinGen allele CA2580082080.

ClinVar aggregate classification (germline): Uncertain significance (1 of 4 stars; one submission).

Conditions:
Juvenile polyposis syndrome (JPS). Identifiers: Orphanet 2929, MedGen C0345893, MONDO:0017380, OMIM 174900.

Submission:

Labcorp Genetics (formerly Invitae), Labcorp
Classification: Uncertain significance for Juvenile polyposis syndrome. Last evaluated: 2025-01-23. Review status: criteria provided, single submitter. Criteria: Invitae Variant Classification Sherloc (09022015). Collection method: clinical testing. Allele origin: germline.
Comment: This sequence change falls in intron 4 of the BMPR1A gene. It does not directly change the encoded amino acid sequence of the BMPR1A protein. It affects a nucleotide within the consensus splice site. This variant is not present in population databases (gnomAD no frequency). This variant has not been reported in the literature in individuals affected with BMPR1A-related conditions. ClinVar contains an entry for this variant (Variation ID: 2095340). Variants that disrupt the consensus splice site are a relatively common cause of aberrant splicing (PMID: 17576681, 9536098). Algorithms developed to predict the effect of sequence changes on RNA splicing suggest that this variant may disrupt the consensus splice site. In summary, the available evidence is currently insufficient to determine the role of this variant in disease. Therefore, it has been classified as a Variant of Uncertain Significance.

Literature cited by the submitters: PubMed 17576681; PubMed 9536098.